The following is an entry in ClinVar:

ClinVar aggregate classification (germline): Pathogenic/Likely pathogenic. Review status: criteria provided, multiple submitters, no conflicts (2 of 4 stars). 2 submissions from 2 submitters: Pathogenic (1); Likely pathogenic (1). Last evaluated 2025-12-08.

Conditions:
Pontocerebellar hypoplasia type 1A (PCH1A). Also called: PONTOCEREBELLAR HYPOPLASIA WITH ANTERIOR HORN CELL DISEASE; PONTOCEREBELLAR HYPOPLASIA WITH INFANTILE SPINAL MUSCULAR ATROPHY. Identifiers: Orphanet 2254, Orphanet 88616, MedGen C1843504, MONDO:0011866, OMIM 607596.

Submissions (2):

Labcorp Genetics (formerly Invitae), Labcorp
Classification: Pathogenic for Pontocerebellar hypoplasia type 1A. Last evaluated: 2025-12-08. Review status: criteria provided, single submitter. Criteria: Invitae Variant Classification Sherloc (09022015). Collection method: clinical testing. Allele origin: germline.
Comment: This sequence change creates a premature translational stop signal (p.Ser376*) in the VRK1 gene. While this is not anticipated to result in nonsense mediated decay, it is expected to disrupt the last 21 amino acid(s) of the VRK1 protein. This variant is not present in population databases (gnomAD no frequency). This variant has not been reported in the literature in individuals affected with VRK1-related conditions. This variant disrupts a region of the VRK1 protein in which other variant(s) (p.Arg387His) have been determined to be pathogenic (PMID: 31837156; internal data). This suggests that this is a clinically significant region of the protein, and that variants that disrupt it are likely to be disease-causing. For these reasons, this variant has been classified as Pathogenic.

Natera, Inc.
Classification: Likely pathogenic for Pontocerebellar hypoplasia, type 1a. Last evaluated: 2024-03-14. Review status: criteria provided, single submitter. Criteria: Natera Variant Classification Schema (03/2026). Collection method: clinical testing. Allele origin: germline.
Comment: The c.1127C>A variant in VRK1 is a nonsense variant predicted to introduce a stop codon at amino acid 376. This variant is expected to result in nonsense mediated decay, truncation, or a dysfunctional protein product. This variant is rare in the general population with a frequency below the threshold expected for the associated phenotype(s). Given the available evidence, this variant is classified as Likely Pathogenic.

Literature cited by the submitters: PubMed 31837156 (cited by Labcorp Genetics (formerly Invitae), Labcorp).

NM_003384.3(VRK1):c.1127C>A (p.Ser376Ter)

Gene: VRK1 (VRK serine/threonine kinase 1; plus strand). Cytogenetic location: 14q32.2.
Variant type: single nucleotide variant.
Coding change: c.1127C>A on transcript NM_003384.3 (MANE Select); coding-DNA position 1127, C replaced by A.
Protein change: p.Ser376Ter; replaces serine 376 with a stop codon.
Molecular consequence: nonsense.
Genome position (GRCh38, 1-based): chr14:96,876,088, C>A. VCF-style: chr14-96876088-C-A. GRCh37 (hg19) VCF-style: chr14-97342425-C-A.
Other names: c.1127C>A, p.Ser376Ter (NM_001411051.1); c.1124C>A, p.Ser375Ter (NM_001411053.1); c.1127C>A (NM_003384.2); short protein forms S375*, S376*.
Identifiers: ClinVar variation 4732736 (VCV004732736.2).